The following is an entry in ClinVar:

ClinVar aggregate classification (germline): Likely benign. Review status: criteria provided, multiple submitters, no conflicts (2 of 4 stars). 2 submissions from 2 submitters: Likely benign (2). Last evaluated 2018-01-12.

Conditions:
Autosomal recessive omodysplasia (OMOD1). Also called: MICROMELIC DYSPLASIA, CONGENITAL, WITH DISLOCATION OF RADIUS. Identifiers: Orphanet 2733, Orphanet 93329, MedGen C1850318, MONDO:0009779, OMIM 258315.

Allele frequency attached by ClinVar (database versions not stated): 1000 Genomes Project 30x 0.00406; 1000 Genomes Project 0.00419; gnomAD 0.00569 and 0.00574; TOPMed 0.00639.

Submissions (2):

Illumina Laboratory Services, Illumina
Classification: Likely benign for Autosomal recessive omodysplasia. Last evaluated: 2018-01-12. Review status: criteria provided, single submitter. Criteria: ICSL Variant Classification Criteria 13 December 2019. Collection method: clinical testing. Allele origin: germline.
Comment: This variant was observed in the ICSL laboratory as part of a predisposition screen in an ostensibly healthy population. It had not been previously curated by ICSL or reported in the Human Gene Mutation Database (HGMD: prior to June 1st, 2018), and was therefore a candidate for classification through an automated scoring system. Utilizing variant allele frequency, disease prevalence and penetrance estimates, and inheritance mode, an automated score was calculated to assess if this variant is too frequent to cause the disease. Based on the score and internal cut-off values, a variant classified as likely benign is not then subjected to further curation. The score for this variant resulted in a classification of likely benign for this disease.

Breakthrough Genomics
Classification: Likely benign. Review status: criteria provided, single submitter. Criteria: ACMG Guidelines, 2015. Collection method: not provided. Allele origin: germline. Inheritance: Autosomal recessive inheritance. Affected: yes.

NM_005708.5(GPC6):c.*1261G>A

Gene: GPC6 (glypican 6; plus strand). Cytogenetic location: 13q32.1.
Variant type: single nucleotide variant.
Coding change: c.*1261G>A on transcript NM_005708.5 (MANE Select); 1261 bases downstream of the stop codon, G replaced by A.
Molecular consequence: 3 prime UTR variant.
Genome position (GRCh38, 1-based): chr13:94,404,478, G>A. VCF-style: chr13-94404478-G-A. GRCh37 (hg19) VCF-style: chr13-95056732-G-A.
Identifiers: ClinVar variation 312575 (VCV000312575.6), dbSNP rs141909370, ClinGen allele CA10634574.